The following is an entry in ClinVar:

ClinVar aggregate classification (germline): Uncertain significance. Review status: criteria provided, multiple submitters, no conflicts (2 of 4 stars). 3 submissions from 3 submitters: Uncertain significance (3). Last evaluated 2026-05-01.

Conditions:
Joubert syndrome. Also called: JOUBERT-BOLTSHAUSER SYNDROME; Familial aplasia of the vermis. Identifiers: Orphanet 475, MedGen C5979921, MONDO:0018772.
Meckel-Gruber syndrome. Also called: DYSENCEPHALIA SPLANCHNOCYSTICA; GRUBER SYNDROME; Dysencephalia splachnocystica. Identifiers: Orphanet 564, MedGen C0265215, MONDO:0018921.
CC2D2A-related disorder. Also called: CC2D2A-related disorders; CC2D2A-related condition. Identifiers: MedGen CN239313.

Allele frequency attached by ClinVar (database versions not stated): TOPMed 0.00006; gnomAD 0.00007 and 0.00010; 1000 Genomes Project 0.00040; 1000 Genomes Project 30x 0.00047.

Submissions (3):

PreventionGenetics, part of Exact Sciences
Classification: Uncertain significance for CC2D2A-related condition. Last evaluated: 2026-05-01. Review status: criteria provided, single submitter. Criteria: ACMG Guidelines, 2015. Collection method: clinical testing. Allele origin: germline.
Comment: The CC2D2A c.379C>T variant is predicted to result in the amino acid substitution p.Arg127Trp. To our knowledge, this variant has not been reported in the literature. This variant is reported in 0.011% of alleles in individuals of European (Non-Finnish) descent in gnomAD. At this time, the clinical significance of this variant is uncertain due to the absence of conclusive functional and genetic evidence.

Mayo Clinic Laboratories, Mayo Clinic
Classification: Uncertain significance. Last evaluated: 2024-05-29. Review status: criteria provided, single submitter. Criteria: ACMG Guidelines, 2015. Collection method: clinical testing. Allele origin: germline. Observed: 1 variant allele.
Comment: BP4, PM2

Labcorp Genetics (formerly Invitae), Labcorp
Classification: Uncertain significance for Joubert syndrome; Meckel-Gruber syndrome. Last evaluated: 2022-09-06. Review status: criteria provided, single submitter. Criteria: Invitae Variant Classification Sherloc (09022015). Collection method: clinical testing. Allele origin: germline.
Comment: This sequence change replaces arginine, which is basic and polar, with tryptophan, which is neutral and slightly polar, at codon 127 of the CC2D2A protein (p.Arg127Trp). This variant is present in population databases (rs145945939, gnomAD 0.01%). This variant has not been reported in the literature in individuals affected with CC2D2A-related conditions. ClinVar contains an entry for this variant (Variation ID: 1495188). Algorithms developed to predict the effect of missense changes on protein structure and function are either unavailable or do not agree on the potential impact of this missense change (SIFT: "Deleterious"; PolyPhen-2: "Probably Damaging"; Align-GVGD: "Class C0"). In summary, the available evidence is currently insufficient to determine the role of this variant in disease. Therefore, it has been classified as a Variant of Uncertain Significance.

NM_001378615.1(CC2D2A):c.379C>T (p.Arg127Trp)

Genes: CC2D2A (coiled-coil and C2 domain containing 2A; plus strand), FBXL5 (F-box and leucine rich repeat protein 5; minus strand). Cytogenetic location: 4p15.32.
Variant type: single nucleotide variant.
Coding change: c.379C>T on transcript NM_001378615.1 (MANE Select); coding-DNA position 379, C replaced by T.
Protein change: p.Arg127Trp; replaces arginine 127 with tryptophan.
Molecular consequence: missense variant.
Genome position (GRCh38, 1-based): chr4:15,502,864, C>T. VCF-style: chr4-15502864-C-T. GRCh37 (hg19) VCF-style: chr4-15504487-C-T.
Other names: p.Arg127Trp; c.379C>T, p.Arg127Trp (NM_001080522.2); c.232C>T, p.Arg78Trp (NM_001378617.1); short protein forms R78W, R127W.
Identifiers: ClinVar variation 1495188 (VCV001495188.5), dbSNP rs145945939, ClinGen allele CA2863394.